The following is an entry in ClinVar:

ClinVar aggregate classification (germline): Uncertain significance. Review status: criteria provided, single submitter (1 of 4 stars). 2 submissions from 2 submitters: Uncertain significance (1). 1 of the submissions does not count toward it. Last evaluated 2016-09-20.

Conditions:
Galactosylceramide beta-galactosidase deficiency. Also called: Krabbe Disease; Leukodystrophy, Globoid Cell; GALACTOCEREBROSIDASE DEFICIENCY; GALC DEFICIENCY; GLOBOID CELL LEUKOENCEPHALOPATHY. Identifiers: Orphanet 487, MedGen C0023521, MONDO:0009499, OMIM 245200.

Allele frequency attached by ClinVar (database versions not stated): gnomAD exomes below 0.00001.

Submissions (2):

Center for Pediatric Genomic Medicine, Children's Mercy Hospital and Clinics
Classification: Uncertain significance. Last evaluated: 2016-09-20. Review status: criteria provided, single submitter. Criteria: ACMG Guidelines, 2015. Collection method: clinical testing. Allele origin: germline.
ClinVar note: Converted during submission from Uncertain Significance to Uncertain significance.

Natera, Inc.
Classification: Uncertain significance for Galactosylceramide beta-galactosidase deficiency. Last evaluated: 2020-11-23. Review status: no assertion criteria provided. Collection method: clinical testing. Allele origin: germline. Not counted in ClinVar's aggregate classification.

NM_000153.4(GALC):c.1355G>A (p.Gly452Asp)

Gene: GALC (galactosylceramidase; minus strand). Cytogenetic location: 14q31.3.
Variant type: single nucleotide variant.
Coding change: c.1355G>A on transcript NM_000153.4 (MANE Select); coding-DNA position 1355, G replaced by A.
Protein change: p.Gly452Asp; replaces glycine 452 with aspartic acid.
Molecular consequence: missense variant.
Genome position (GRCh38, 1-based): chr14:87,947,862, C>T on the plus strand (G>A on the coding strand, the complement: GALC is on the minus strand). VCF-style: chr14-87947862-C-T. GRCh37 (hg19) VCF-style: chr14-88414206-C-T.
Other names: c.1286G>A, p.Gly429Asp (NM_001201401.2); c.1277G>A, p.Gly426Asp (NM_001201402.2); short protein forms G452D, G429D, G426D.
Identifiers: ClinVar variation 377174 (VCV000377174.4), dbSNP rs1057520151, ClinGen allele CA16603289.
Genomic context (GRCh38, chr14:87,947,862, plus strand): 5'-CCAGTGGTGAGAGTGGTGAGTGTGAACAGCTCATCTTCATGCAGGCTCAGTGTGAAACTG[C>T]CATCGCTGTCAAGGAGCTGAAAAAGAAGACACTACTGTATTCAGGACCAGGTACTATAGC-3'
Protein context (NP_000144.2, residues 442-462): LDSLWLLDSD[Gly452Asp]SFTLSLHEDE